The following is an entry in ClinVar:

ClinVar aggregate classification (germline): Uncertain significance (1 of 4 stars; one submission).

Conditions:
Atrial fibrillation, familial, 7 (ATFB7). Identifiers: MedGen C2677106, MONDO:0012828, OMIM 612240.

Submission:

Labcorp Genetics (formerly Invitae), Labcorp
Classification: Uncertain significance for Atrial fibrillation, familial, 7. Last evaluated: 2025-01-21. Review status: criteria provided, single submitter. Criteria: Invitae Variant Classification Sherloc (09022015). Collection method: clinical testing. Allele origin: germline.
Comment: This sequence change replaces proline, which is neutral and non-polar, with threonine, which is neutral and polar, at codon 367 of the KCNA5 protein (p.Pro367Thr). This variant is not present in population databases (gnomAD no frequency). This variant has not been reported in the literature in individuals affected with KCNA5-related conditions. Invitae Evidence Modeling of protein sequence and biophysical properties (such as structural, functional, and spatial information, amino acid conservation, physicochemical variation, residue mobility, and thermodynamic stability) indicates that this missense variant is expected to disrupt KCNA5 protein function with a positive predictive value of 80%. In summary, the available evidence is currently insufficient to determine the role of this variant in disease. Therefore, it has been classified as a Variant of Uncertain Significance.

NM_002234.4(KCNA5):c.1099C>A (p.Pro367Thr)

Gene: KCNA5 (potassium voltage-gated channel subfamily A member 5; plus strand). Cytogenetic location: 12p13.32.
Variant type: single nucleotide variant.
Coding change: c.1099C>A on transcript NM_002234.4 (MANE Select); coding-DNA position 1099, C replaced by A.
Protein change: p.Pro367Thr; replaces proline 367 with threonine.
Molecular consequence: missense variant.
Genome position (GRCh38, 1-based): chr12:5,045,246, C>A. VCF-style: chr12-5045246-C-A. GRCh37 (hg19) VCF-style: chr12-5154412-C-A.
Other names: short protein forms P367T.
Identifiers: ClinVar variation 3712926 (VCV003712926.2).